The following is an entry in ClinVar:

NM_206933.4(USH2A):c.5318T>A (p.Ile1773Lys)

Genes: USH2A (usherin; minus strand), USH2A-AS2 (USH2A antisense RNA 2; plus strand). Cytogenetic location: 1q41.
Variant type: single nucleotide variant.
Coding change: c.5318T>A on transcript NM_206933.4 (MANE Select); coding-DNA position 5318, T replaced by A.
Protein change: p.Ile1773Lys; replaces isoleucine 1773 with lysine.
Molecular consequence: missense variant.
Genome position (GRCh38, 1-based): chr1:216,078,343, A>T on the plus strand (T>A on the coding strand, the complement: USH2A is on the minus strand). VCF-style: chr1-216078343-A-T. GRCh37 (hg19) VCF-style: chr1-216251685-A-T.
Other names: c.5318T>A (NM_206933.2); short protein forms I1773K.
Identifiers: ClinVar variation 1012761 (VCV001012761.45), dbSNP rs371201450, ClinGen allele CA1395469.

ClinVar aggregate classification (germline): Uncertain significance. Review status: criteria provided, multiple submitters, no conflicts (2 of 4 stars). 7 submissions from 6 submitters: Uncertain significance (7). Last evaluated 2026-07-08.

Conditions:
USH2A-related disorder. Also called: USH2A-related disorders; USH2A-related condition. Identifiers: MedGen CN239332.
Retinitis pigmentosa 39 (RP39). Identifiers: Orphanet 791, MedGen C3151138, MONDO:0013436, OMIM 613809.
Usher syndrome type 2A. Also called: RETINAL DISEASE IN USHER SYNDROME TYPE IIA, MODIFIER OF; USHER SYNDROME, TYPE IIA. Identifiers: Orphanet 231178, Orphanet 886, MedGen C1848634, MONDO:0010169, OMIM 276901.

Allele frequency attached by ClinVar (database versions not stated): ExAC 0.00002; gnomAD exomes 0.00002 and 0.00006; TOPMed 0.00006; gnomAD 0.00007 and 0.00008; ESP Exome Variant Server 0.00008.
gnomAD v4.1: 96 of 1,613,594 alleles (0.0059%); highest among the groups gnomAD compares: Non-Finnish European, 0.0078%; no homozygotes.

Submissions (7):

PreventionGenetics, part of Exact Sciences
Classification: Uncertain significance for USH2A-related condition. Last evaluated: 2026-07-08. Review status: criteria provided, single submitter. Criteria: ACMG Guidelines, 2015. Collection method: clinical testing. Allele origin: germline.
Comment: The USH2A c.5318T>A variant is predicted to result in the amino acid substitution p.Ile1773Lys. This variant was reported, along with two other frameshift variants in USH2A, in an individual with retinal degeneration (supplementary data, Zampaglione et al. 2020. PubMed ID: 32037395). This variant is reported in 0.0055% of alleles in individuals of European (Non-Finnish) descent in gnomAD. At this time, the clinical significance of this variant is uncertain due to the absence of conclusive functional and genetic evidence.

GeneDx
Classification: Uncertain significance. Last evaluated: 2025-07-29. Review status: criteria provided, single submitter. Criteria: GeneDx Variant Classification Process June 2021. Collection method: clinical testing. Allele origin: germline. Affected: yes.
Comment: Identified with two pathogenic USH2A variants in a patient with retinal degeneration in published literature, but it is not known whether the variants occurred on the same (in cis) or on different (in trans) chromosomes (Zampaglione et al., 2020); Not observed at significant frequency in large population cohorts (gnomAD); In silico analysis supports that this missense variant has a deleterious effect on protein structure/function; This variant is associated with the following publications: (PMID: 32037395)

Labcorp Genetics (formerly Invitae), Labcorp
Classification: Uncertain significance. Last evaluated: 2024-06-24. Review status: criteria provided, single submitter. Criteria: Invitae Variant Classification Sherloc (09022015). Collection method: clinical testing. Allele origin: germline.
Comment: This sequence change replaces isoleucine, which is neutral and non-polar, with lysine, which is basic and polar, at codon 1773 of the USH2A protein (p.Ile1773Lys). This variant is present in population databases (rs371201450, gnomAD 0.006%). This missense change has been observed in individual(s) with clinical features of retinal degeneration (PMID: 32037395). ClinVar contains an entry for this variant (Variation ID: 1012761). Advanced modeling of protein sequence and biophysical properties (such as structural, functional, and spatial information, amino acid conservation, physicochemical variation, residue mobility, and thermodynamic stability) performed at Invitae indicates that this missense variant is not expected to disrupt USH2A protein function with a negative predictive value of 95%. In summary, the available evidence is currently insufficient to determine the role of this variant in disease. Therefore, it has been classified as a Variant of Uncertain Significance.

Genome-Nilou Lab
Classification: Uncertain significance for Retinitis pigmentosa 39. Last evaluated: 2023-11-04. Review status: criteria provided, single submitter. Criteria: ACMG Guidelines, 2015. Collection method: clinical testing. Allele origin: germline. Affected: no.

Genome-Nilou Lab
Classification: Uncertain significance for Usher syndrome type 2A. Last evaluated: 2023-11-04. Review status: criteria provided, single submitter. Criteria: ACMG Guidelines, 2015. Collection method: clinical testing. Allele origin: germline. Affected: no.

Blueprint Genetics
Classification: Uncertain significance. Last evaluated: 2023-09-27. Review status: criteria provided, single submitter. Criteria: ACMG Guidelines, 2015. Collection method: clinical testing. Allele origin: germline.

CeGaT Center for Human Genetics Tuebingen
Classification: Uncertain significance. Last evaluated: 2020-12-01. Review status: criteria provided, single submitter. Criteria: CeGaT Center For Human Genetics Tuebingen Variant Classification Criteria Version 2. Collection method: clinical testing. Allele origin: germline. Affected: yes. Observed: 1 variant allele.

Literature cited by the submitters: PubMed 32037395 (cited by Labcorp Genetics (formerly Invitae), Labcorp).